The following is an entry in ClinVar:

ClinVar aggregate classification (germline): Likely pathogenic (1 of 4 stars; one submission).

Conditions:
Charcot-Marie-Tooth disease type 2. Also called: Charcot-Marie-Tooth type 2. Identifiers: Orphanet 64746, MedGen C0270914, MONDO:0018993.

Submission:

Labcorp Genetics (formerly Invitae), Labcorp
Classification: Likely pathogenic for Charcot-Marie-Tooth disease type 2. Last evaluated: 2022-10-05. Review status: criteria provided, single submitter. Criteria: Invitae Variant Classification Sherloc (09022015). Collection method: clinical testing. Allele origin: germline.
Comment: This sequence change replaces glutamic acid, which is acidic and polar, with glycine, which is neutral and non-polar, at codon 82 of the LMNA protein (p.Glu82Gly). This variant is not present in population databases (gnomAD no frequency). This variant has not been reported in the literature in individuals affected with LMNA-related conditions. Advanced modeling of protein sequence and biophysical properties (such as structural, functional, and spatial information, amino acid conservation, physicochemical variation, residue mobility, and thermodynamic stability) performed at Invitae indicates that this missense variant is expected to disrupt LMNA protein function. This variant disrupts the p.Glu82 amino acid residue in LMNA. Other variant(s) that disrupt this residue have been determined to be pathogenic (PMID: 16630578, 20155465, 20497714, 21151901). This suggests that this residue is clinically significant, and that variants that disrupt this residue are likely to be disease-causing. In summary, the currently available evidence indicates that the variant is pathogenic, but additional data are needed to prove that conclusively. Therefore, this variant has been classified as Likely Pathogenic.

Literature cited by the submitters: PubMed 16630578; PubMed 20155465; PubMed 20497714; PubMed 21151901.

NM_170707.4(LMNA):c.245A>G (p.Glu82Gly)

Gene: LMNA (lamin A/C; plus strand). Cytogenetic location: 1q22.
Variant type: single nucleotide variant.
Coding change: c.245A>G on transcript NM_170707.4 (MANE Select); coding-DNA position 245, A replaced by G.
Protein change: p.Glu82Gly; replaces glutamic acid 82 with glycine.
Molecular consequence: missense variant.
Genome position (GRCh38, 1-based): chr1:156,115,163, A>G. VCF-style: chr1-156115163-A-G. GRCh37 (hg19) VCF-style: chr1-156084954-A-G.
Other names: c.245A>G, p.Glu82Gly (NM_001282625.2, NM_001282626.2, NM_001406983.1 and 6 more transcripts); c.-179A>G (NM_001406986.1); c.-157A>G (NM_001406990.1, NM_001406995.1, NM_001407002.1); c.-420A>G (NM_001406994.1, NM_001407000.1); c.-600A>G (NM_001406999.1); c.-263A>G (NM_001407001.1); short protein forms E82G.
Identifiers: ClinVar variation 2089379 (VCV002089379.4), dbSNP rs2527833277, ClinGen allele CA342808421.